The following is an entry in ClinVar:

NM_020738.4(KIDINS220):c.1788-8T>C

Gene: KIDINS220 (kinase D interacting substrate 220; minus strand). Cytogenetic location: 2p25.1.
Variant type: single nucleotide variant.
Coding change: c.1788-8T>C on transcript NM_020738.4 (MANE Select); 8 bases into the intron before coding-DNA position 1788, T replaced by C.
Molecular consequence: intron variant.
Genome position (GRCh38, 1-based): chr2:8,786,365, A>G on the plus strand (T>C on the coding strand, the complement: KIDINS220 is on the minus strand). VCF-style: chr2-8786365-A-G. GRCh37 (hg19) VCF-style: chr2-8926495-A-G.
Other names: c.1788-8T>C (NM_001348741.2, NM_001348738.2, NM_001348742.2 and 4 more transcripts); c.1791-8T>C (NM_001348739.2, NM_001348740.2, NM_001348734.2 and 3 more transcripts); c.1662-8T>C (NM_001348736.2).
Identifiers: ClinVar variation 3608101 (VCV003608101.3).

ClinVar aggregate classification (germline): Likely benign. Review status: criteria provided, multiple submitters, no conflicts (2 of 4 stars). 2 submissions from 2 submitters: Likely benign (2). Last evaluated 2026-09-08.

Conditions:
KIDINS220-related disorder. Also called: KIDINS220-related condition.

gnomAD v4.1: 24 of 1,606,366 alleles (0.0015%); highest among the groups gnomAD compares: Middle Eastern, 0.033%; no homozygotes.

Submissions (2):

PreventionGenetics, part of Exact Sciences
Classification: Likely benign for KIDINS220-related condition. Last evaluated: 2026-09-08. Review status: criteria provided, single submitter. Criteria: ACMG Guidelines, 2015. Collection method: clinical testing. Allele origin: germline.
Comment: This variant is classified as likely benign based on ACMG/AMP sequence variant interpretation guidelines (Richards et al. 2015 PMID: 25741868, with internal and published modifications).

Labcorp Genetics (formerly Invitae), Labcorp
Classification: Likely benign. Last evaluated: 2024-04-08. Review status: criteria provided, single submitter. Criteria: Invitae Variant Classification Sherloc (09022015). Collection method: clinical testing. Allele origin: germline.